The following is an entry in ClinVar:

ClinVar aggregate classification (germline): Uncertain significance. Review status: criteria provided, multiple submitters, no conflicts (2 of 4 stars). 5 submissions from 5 submitters: Uncertain significance (5). Last evaluated 2025-12-09.

Conditions:
Peutz-Jeghers syndrome (PJS). Also called: POLYPOSIS, HAMARTOMATOUS INTESTINAL; POLYPS-AND-SPOTS SYNDROME; Peutz-Jeghers polyposis; Periorificial lentiginosis syndrome. Identifiers: Orphanet 2869, MedGen C0031269, MeSH D010580, MONDO:0008280, OMIM 175200.
Hereditary cancer-predisposing syndrome. Also called: Tumor predisposition; Neoplastic Syndromes, Hereditary; Hereditary Cancer Syndrome; Hereditary neoplastic syndrome. Identifiers: Orphanet 140162, MedGen C0027672, MeSH D009386, MONDO:0015356.

Allele frequency attached by ClinVar (database versions not stated): TOPMed 0.00001; gnomAD 0.00003.
gnomAD v4.1: 11 of 1,610,504 alleles (0.00068%); highest among the groups gnomAD compares: Non-Finnish European, 0.00085%; no homozygotes.

Submissions (5):

Labcorp Genetics (formerly Invitae), Labcorp
Classification: Uncertain significance for Peutz-Jeghers syndrome. Last evaluated: 2025-12-09. Review status: criteria provided, single submitter. Criteria: Invitae Variant Classification Sherloc (09022015). Collection method: clinical testing. Allele origin: germline.
Comment: This sequence change replaces proline, which is neutral and non-polar, with arginine, which is basic and polar, at codon 369 of the STK11 protein (p.Pro369Arg). This variant is present in population databases (no rsID available, gnomAD 0.03%). This variant has not been reported in the literature in individuals affected with STK11-related conditions. ClinVar contains an entry for this variant (Variation ID: 486523). An algorithm developed to predict the effect of missense changes on protein structure and function (PolyPhen-2) suggests that this variant is likely to be disruptive. In summary, the available evidence is currently insufficient to determine the role of this variant in disease. Therefore, it has been classified as a Variant of Uncertain Significance.

Color Diagnostics, LLC DBA Color Health
Classification: Uncertain significance for Hereditary cancer-predisposing syndrome. Last evaluated: 2025-01-21. Review status: criteria provided, single submitter. Criteria: ACMG Guidelines, 2015. Collection method: clinical testing. Allele origin: germline.
Comment: This missense variant replaces proline with arginine at codon 369 of the STK11 protein. Computational prediction suggests that this variant may not impact protein structure and function. To our knowledge, functional studies have not been reported for this variant. This variant has not been reported in individuals affected with STK11-related disorders in the literature. This variant has been identified in 4/31388 chromosomes in the general population by the Genome Aggregation Database (gnomAD). The available evidence is insufficient to determine the role of this variant in disease conclusively. Therefore, this variant is classified as a Variant of Uncertain Significance.

Ambry Genetics
Classification: Uncertain significance for Hereditary cancer-predisposing syndrome. Last evaluated: 2024-11-19. Review status: criteria provided, single submitter. Criteria: Ambry Variant Classification Scheme 2023. Collection method: clinical testing. Allele origin: germline.
Comment: The p.P369R variant (also known as c.1106C>G), located in coding exon 8 of the STK11 gene, results from a C to G substitution at nucleotide position 1106. The proline at codon 369 is replaced by arginine, an amino acid with dissimilar properties. This amino acid position is highly conserved in available vertebrate species. In addition, the in silico prediction for this alteration is inconclusive. Since supporting evidence is limited at this time, the clinical significance of this alteration remains unclear.

All of Us Research Program, National Institutes of Health
Classification: Uncertain significance for Peutz-Jeghers syndrome. Last evaluated: 2023-08-15. Review status: criteria provided, single submitter. Criteria: ACMG Guidelines, 2015. Collection method: clinical testing. Allele origin: germline. Inheritance: Autosomal dominant inheritance. Observed: 1 variant allele, 1 heterozygote.
Comment: This study involves interpretation of variants in research participants for the purpose of population health screening. Participant phenotype was not available at the time of variant classification. Additional details can be found in publication PMID: 35346344, PMCID: PMC8962531

Genome-Nilou Lab
Classification: Uncertain significance for Peutz-Jeghers syndrome. Last evaluated: 2021-07-15. Review status: criteria provided, single submitter. Criteria: ACMG Guidelines, 2015. Collection method: clinical testing. Allele origin: germline. Affected: no.

NM_000455.5(STK11):c.1106C>G (p.Pro369Arg)

Genes: STK11 (serine/threonine kinase 11; plus strand), LOC130062899 (ATAC-STARR-seq lymphoblastoid active region 13597; plus strand). Cytogenetic location: 19p13.3.
Variant type: single nucleotide variant.
Coding change: c.1106C>G on transcript NM_000455.5 (MANE Select); coding-DNA position 1106, C replaced by G.
Protein change: p.Pro369Arg; replaces proline 369 with arginine.
Molecular consequence: missense variant.
Genome position (GRCh38, 1-based): chr19:1,223,170, C>G. VCF-style: chr19-1223170-C-G. GRCh37 (hg19) VCF-style: chr19-1223169-C-G.
Other names: short protein forms P369R.
Identifiers: ClinVar variation 486523 (VCV000486523.18), dbSNP rs1230130092, ClinGen allele CA402951993.